The following is an entry in ClinVar:

ClinVar aggregate classification (germline): Uncertain significance (1 of 4 stars; one submission).

Conditions:
DLL4-related disorder. Also called: DLL4-related condition.

Submission:

PreventionGenetics, part of Exact Sciences
Classification: Uncertain significance for DLL4-related condition. Last evaluated: 2022-12-27. Review status: criteria provided, single submitter. Criteria: ACMG Guidelines, 2015. Collection method: clinical testing. Allele origin: germline.
Comment: The DLL4 c.899G>A variant is predicted to result in the amino acid substitution p.Cys300Tyr. To our knowledge, this variant has not been reported in the literature or in a large population database, indicating this variant is rare. At this time, the clinical significance of this variant is uncertain due to the absence of conclusive functional and genetic evidence.

NM_019074.4(DLL4):c.899G>A (p.Cys300Tyr)

Gene: DLL4 (delta like canonical Notch ligand 4; plus strand). Cytogenetic location: 15q15.1.
Variant type: single nucleotide variant.
Coding change: c.899G>A on transcript NM_019074.4 (MANE Select); coding-DNA position 899, G replaced by A.
Protein change: p.Cys300Tyr; replaces cysteine 300 with tyrosine.
Molecular consequence: missense variant.
Genome position (GRCh38, 1-based): chr15:40,934,596, G>A. VCF-style: chr15-40934596-G-A. GRCh37 (hg19) VCF-style: chr15-41226794-G-A.
Other names: short protein forms C300Y.
Identifiers: ClinVar variation 2629923 (VCV002629923.1), dbSNP rs2542547401, ClinGen allele CA391778482.